The following is an entry in ClinVar:

NM_003128.3(SPTBN1):c.2522G>A (p.Arg841Gln)

Gene: SPTBN1 (spectrin beta, non-erythrocytic 1; plus strand). Cytogenetic location: 2p16.2.
Variant type: single nucleotide variant.
Coding change: c.2522G>A on transcript NM_003128.3 (MANE Select); coding-DNA position 2522, G replaced by A.
Protein change: p.Arg841Gln; replaces arginine 841 with glutamine.
Molecular consequence: missense variant.
Genome position (GRCh38, 1-based): chr2:54,629,656, G>A. VCF-style: chr2-54629656-G-A. GRCh37 (hg19) VCF-style: chr2-54856793-G-A.
Other names: c.2483G>A, p.Arg828Gln (NM_178313.3); short protein forms R828Q, R841Q.
Identifiers: ClinVar variation 2632345 (VCV002632345.1), dbSNP rs2549527057, ClinGen allele CA346883070.
Genomic context (GRCh38, chr2:54,629,656, plus strand): 5'-GGGGCAGGCTGTCGGGCATCGAGGAGCGGTATAAGGAGGTGGCAGAGCTGACGCGGCTGC[G>A]GAAGCAGGCACTCCAGGACACTCTGGCCCTGTACAAGATGTTCAGCGAGGCTGATGCCTG-3'
Protein context (NP_003119.2, residues 831-851): YKEVAELTRL[Arg841Gln]KQALQDTLAL

ClinVar aggregate classification (germline): Uncertain significance (1 of 4 stars; one submission).

Conditions:
SPTBN1-related disorder. Also called: SPTBN1-related condition.

Submission:

PreventionGenetics, part of Exact Sciences
Classification: Uncertain significance for SPTBN1-related condition. Last evaluated: 2023-05-22. Review status: criteria provided, single submitter. Criteria: ACMG Guidelines, 2015. Collection method: clinical testing. Allele origin: germline.
Comment: The SPTBN1 c.2522G>A variant is predicted to result in the amino acid substitution p.Arg841Gln. To our knowledge, this variant has not been reported in the literature or in a large population database, indicating this variant is rare. At this time, the clinical significance of this variant is uncertain due to the absence of conclusive functional and genetic evidence.